The following is an entry in ClinVar:

NM_001042492.3(NF1):c.7377G>C (p.Lys2459Asn)

Gene: NF1 (neurofibromin 1; plus strand). Cytogenetic location: 17q11.2.
Variant type: single nucleotide variant.
Coding change: c.7377G>C on transcript NM_001042492.3 (MANE Select); coding-DNA position 7377, G replaced by C.
Protein change: p.Lys2459Asn; replaces lysine 2459 with asparagine.
Molecular consequence: missense variant.
Genome position (GRCh38, 1-based): chr17:31,350,238, G>C. VCF-style: chr17-31350238-G-C. GRCh37 (hg19) VCF-style: chr17-29677256-G-C.
Other names: c.7314G>C, p.Lys2438Asn (NM_000267.4); short protein forms K2438N, K2459N.
Identifiers: ClinVar variation 4800803 (VCV004800803.1).
Genomic context (GRCh38, chr17:31,350,238, plus strand): 5'-TTTAGCTTTACTTACAGTGTCTGAAGAAGTTCGAAGTCGCTGCAGCCTAAAACATAGAAA[G>C]TCACTTCTTCTTACTGATATTTCAATGGAAAATGTTCCTATGGATACATATCCCATTCAT-3'
Protein context (NP_001035957.1, residues 2449-2469): VRSRCSLKHR[Lys2459Asn]SLLLTDISME

ClinVar aggregate classification (germline): Uncertain significance (1 of 4 stars; one submission).

Conditions:
Neurofibromatosis, type 1 (NF1). Also called: VON RECKLINGHAUSEN DISEASE; Neurofibromatosis, type I; NEUROFIBROMATOSIS, TYPE I, SOMATIC; Peripheral type neurofibromatosis. Identifiers: Orphanet 636, MedGen C0027831, MONDO:0018975, OMIM 162200. Disease mechanism: loss of function.

Submission:

Labcorp Genetics (formerly Invitae), Labcorp
Classification: Uncertain significance for Neurofibromatosis, type 1. Last evaluated: 2025-02-12. Review status: criteria provided, single submitter. Criteria: Invitae Variant Classification Sherloc (09022015). Collection method: clinical testing. Allele origin: germline.
Comment: This sequence change replaces lysine, which is basic and polar, with asparagine, which is neutral and polar, at codon 2438 of the NF1 protein (p.Lys2438Asn). This variant is not present in population databases (gnomAD no frequency). This variant has not been reported in the literature in individuals affected with NF1-related conditions. Invitae Evidence Modeling of protein sequence and biophysical properties (such as structural, functional, and spatial information, amino acid conservation, physicochemical variation, residue mobility, and thermodynamic stability) indicates that this missense variant is not expected to disrupt NF1 protein function with a negative predictive value of 95%. In summary, the available evidence is currently insufficient to determine the role of this variant in disease. Therefore, it has been classified as a Variant of Uncertain Significance.